The following is an entry in ClinVar:

ClinVar aggregate classification (germline): Uncertain significance. Review status: criteria provided, multiple submitters, no conflicts (2 of 4 stars). 2 submissions from 2 submitters: Uncertain significance (2). Last evaluated 2025-05-26.

Conditions:
Cardiovascular phenotype. Identifiers: MedGen CN230736.
Spinocerebellar ataxia type 19/22 (SCA19). Also called: SPINOCEREBELLAR ATAXIA 22; SPINOCEREBELLAR ATAXIA 19. Identifiers: Orphanet 98772, MedGen C1846367, MONDO:0011819, OMIM 607346.

Allele frequency attached by ClinVar (database versions not stated): TOPMed below 0.00001; gnomAD exomes 0.00001 and 0.00004.
gnomAD v4.1: 56 of 1,614,220 alleles (0.0035%); highest among the groups gnomAD compares: Non-Finnish European, 0.0047%; no homozygotes.

Submissions (2):

Ambry Genetics
Classification: Uncertain significance for Cardiovascular phenotype. Last evaluated: 2025-05-26. Review status: criteria provided, single submitter. Criteria: Ambry Variant Classification Scheme 2023. Collection method: clinical testing. Allele origin: germline.
Comment: The p.I617V variant (also known as c.1849A>G), located in coding exon 7 of the KCND3 gene, results from an A to G substitution at nucleotide position 1849. The isoleucine at codon 617 is replaced by valine, an amino acid with highly similar properties. This amino acid position is well conserved in available vertebrate species. In addition, the in silico prediction for this alteration is inconclusive. Since supporting evidence is limited at this time, the clinical significance of this alteration remains unclear.

Labcorp Genetics (formerly Invitae), Labcorp
Classification: Uncertain significance for Spinocerebellar ataxia type 19/22. Last evaluated: 2022-02-19. Review status: criteria provided, single submitter. Criteria: Invitae Variant Classification Sherloc (09022015). Collection method: clinical testing. Allele origin: germline.
Comment: In summary, the available evidence is currently insufficient to determine the role of this variant in disease. Therefore, it has been classified as a Variant of Uncertain Significance. Algorithms developed to predict the effect of missense changes on protein structure and function (SIFT, PolyPhen-2, Align-GVGD) all suggest that this variant is likely to be tolerated. ClinVar contains an entry for this variant (Variation ID: 533723). This variant has not been reported in the literature in individuals affected with KCND3-related conditions. This variant is present in population databases (no rsID available, gnomAD 0.003%). This sequence change replaces isoleucine, which is neutral and non-polar, with valine, which is neutral and non-polar, at codon 617 of the KCND3 protein (p.Ile617Val).

NM_001378969.1(KCND3):c.1849A>G (p.Ile617Val)

Gene: KCND3 (potassium voltage-gated channel subfamily D member 3; minus strand). Cytogenetic location: 1p13.2.
Variant type: single nucleotide variant.
Coding change: c.1849A>G on transcript NM_001378969.1 (MANE Select); coding-DNA position 1849, A replaced by G.
Protein change: p.Ile617Val; replaces isoleucine 617 with valine.
Molecular consequence: missense variant.
Genome position (GRCh38, 1-based): chr1:111,776,196, T>C on the plus strand (A>G on the coding strand, the complement: KCND3 is on the minus strand). VCF-style: chr1-111776196-T-C. GRCh37 (hg19) VCF-style: chr1-112318818-T-C.
Other names: c.1792A>G, p.Ile598Val (NM_001378970.1, NM_172198.3); c.1849A>G, p.Ile617Val (NM_004980.5); short protein forms I617V, I598V.
Identifiers: ClinVar variation 533723 (VCV000533723.11), dbSNP rs948125814, ClinGen allele CA28896122.
Genomic context (GRCh38, chr1:111,776,196, plus strand): 5'-CTGGGCTGGCAGGGGGTGGCCGACTTTCCCCCTCTGGGGTTAGCGCTGGGGGAGTGGGGA[T>C]GCTGATGATGGCTGTGGTGATCTGGGATGTTTTGCAGTTTGGTCTCAGTCCGTCGTCTGC-3'
Protein context (NP_001365898.1, residues 607-627): TSQITTAIIS[Ile617Val]PTPPALTPEG